The following is an entry in ClinVar:

ClinVar aggregate classification (germline): Uncertain significance. Review status: criteria provided, multiple submitters, no conflicts (2 of 4 stars). 2 submissions from 2 submitters: Uncertain significance (2). Last evaluated 2024-09-10.

Conditions:
Primary ciliary dyskinesia. Also called: Ciliary dyskinesia. Identifiers: Orphanet 244, MedGen C0008780, MONDO:0016575, HP:0012265.

Allele frequency attached by ClinVar (database versions not stated): ExAC 0.00001; 1000 Genomes Project 30x 0.00016; 1000 Genomes Project 0.00020.

Submissions (2):

Labcorp Genetics (formerly Invitae), Labcorp
Classification: Uncertain significance for Primary ciliary dyskinesia. Last evaluated: 2024-09-10. Review status: criteria provided, single submitter. Criteria: Invitae Variant Classification Sherloc (09022015). Collection method: clinical testing. Allele origin: germline.
Comment: This sequence change replaces glycine, which is neutral and non-polar, with valine, which is neutral and non-polar, at codon 318 of the DNAH8 protein (p.Gly318Val). The frequency data for this variant in the population databases is considered unreliable, as metrics indicate poor data quality at this position in the gnomAD database. This variant has not been reported in the literature in individuals affected with DNAH8-related conditions. ClinVar contains an entry for this variant (Variation ID: 2523327). Experimental studies and prediction algorithms are not available or were not evaluated, and the functional significance of this variant is currently unknown. In summary, the available evidence is currently insufficient to determine the role of this variant in disease. Therefore, it has been classified as a Variant of Uncertain Significance.

Ambry Genetics
Classification: Uncertain significance. Last evaluated: 2023-06-05. Review status: criteria provided, single submitter. Criteria: Ambry Variant Classification Scheme 2023. Collection method: clinical testing. Allele origin: germline.

NM_001206927.2(DNAH8):c.953G>T (p.Gly318Val)

Gene: DNAH8 (dynein axonemal heavy chain 8; plus strand). Cytogenetic location: 6p21.2.
Variant type: single nucleotide variant.
Coding change: c.953G>T on transcript NM_001206927.2 (MANE Select); coding-DNA position 953, G replaced by T.
Protein change: p.Gly318Val; replaces glycine 318 with valine.
Molecular consequence: missense variant.
Genome position (GRCh38, 1-based): chr6:38,737,809, G>T. VCF-style: chr6-38737809-G-T. GRCh37 (hg19) VCF-style: chr6-38705585-G-T.
Other names: c.302G>T, p.Gly101Val (NM_001371.4); short protein forms G318V, G101V.
Identifiers: ClinVar variation 2523327 (VCV002523327.4), dbSNP rs567584262, ClinGen allele CA3788098.